The following is an entry in ClinVar:

ClinVar aggregate classification (germline): Likely benign (1 of 4 stars; one submission).

Conditions:
SLC10A1-related disorder. Also called: SLC10A1-related condition.

gnomAD v4.1: 31 of 1,589,056 alleles (0.002%); highest among the groups gnomAD compares: Non-Finnish European, 0.0027%; no homozygotes.

Submission:

PreventionGenetics, part of Exact Sciences
Classification: Likely benign for SLC10A1-related condition. Last evaluated: 2025-02-05. Review status: criteria provided, single submitter. Criteria: ACMG Guidelines, 2015. Collection method: clinical testing. Allele origin: germline.
Comment: This variant is classified as likely benign based on ACMG/AMP sequence variant interpretation guidelines (Richards et al. 2015 PMID: 25741868, with internal and published modifications).

NM_003049.4(SLC10A1):c.943+3G>A

Gene: SLC10A1 (solute carrier family 10 member 1; minus strand). Cytogenetic location: 14q24.1.
Variant type: single nucleotide variant.
Coding change: c.943+3G>A on transcript NM_003049.4 (MANE Select); 3 bases into the intron after coding-DNA position 943, G replaced by A.
Molecular consequence: intron variant.
Genome position (GRCh38, 1-based): chr14:69,778,330, C>T on the plus strand (G>A on the coding strand, the complement: SLC10A1 is on the minus strand). VCF-style: chr14-69778330-C-T. GRCh37 (hg19) VCF-style: chr14-70245047-C-T.
Identifiers: ClinVar variation 4986407 (VCV004986407.1).
Genomic context (GRCh38, chr14:69,778,330, plus strand): 5'-TGTTGGCAGGCTCAGGTCTAATATTGGAGCAGAACTTGAAGTGGGGATAATTTCAGTACT[C>T]ACCCTTGGGAGTCTTGAATTTCTCATAGCACCAAAATATGGCAATGAGGAGAAGCCCTTC-3'